The following is an entry in ClinVar:

NM_002474.3(MYH11):c.626G>A (p.Ser209Asn)

Gene: MYH11 (myosin heavy chain 11; minus strand). Cytogenetic location: 16p13.11.
Variant type: single nucleotide variant.
Coding change: c.626G>A on transcript NM_002474.3 (MANE Select); coding-DNA position 626, G replaced by A.
Protein change: p.Ser209Asn; replaces serine 209 with asparagine.
Molecular consequence: missense variant.
Genome position (GRCh38, 1-based): chr16:15,786,637, C>T on the plus strand (G>A on the coding strand, the complement: MYH11 is on the minus strand). VCF-style: chr16-15786637-C-T. GRCh37 (hg19) VCF-style: chr16-15880494-C-T.
Other names: c.626G>A, p.Ser209Asn (NM_001040113.2, NM_001040114.2, NM_022844.3); short protein forms S209N.
Identifiers: ClinVar variation 2870587 (VCV002870587.4), dbSNP rs2506655908, ClinGen allele CA394873468.

ClinVar aggregate classification (germline): Uncertain significance. Review status: criteria provided, multiple submitters, no conflicts (2 of 4 stars). 2 submissions from 2 submitters: Uncertain significance (2). Last evaluated 2024-01-03.

Conditions:
Aortic aneurysm, familial thoracic 4 (AAT4). Also called: AORTIC ANEURYSM/AORTIC DISSECTION AND PATENT DUCTUS ARTERIOSUS. Identifiers: MedGen C1851504, MONDO:0007568, OMIM 132900.
Familial thoracic aortic aneurysm and aortic dissection (TAAD). Also called: Thoracic aortic aneurysms and dissections. Identifiers: Orphanet 91387, MedGen C4707243, MONDO:0019625.

Allele frequency attached by ClinVar (database versions not stated): gnomAD exomes below 0.00001.
gnomAD v4.1: 1 of 1,614,094 alleles (0.000062%); highest among the groups gnomAD compares: Non-Finnish European, 0.000085%; no homozygotes.

Submissions (2):

Ambry Genetics
Classification: Uncertain significance for Familial thoracic aortic aneurysm and aortic dissection. Last evaluated: 2024-01-03. Review status: criteria provided, single submitter. Criteria: Ambry Variant Classification Scheme 2023. Collection method: clinical testing. Allele origin: germline.

Labcorp Genetics (formerly Invitae), Labcorp
Classification: Uncertain significance for Aortic aneurysm, familial thoracic 4. Last evaluated: 2023-10-23. Review status: criteria provided, single submitter. Criteria: Invitae Variant Classification Sherloc (09022015). Collection method: clinical testing. Allele origin: germline.
Comment: This sequence change replaces serine, which is neutral and polar, with asparagine, which is neutral and polar, at codon 209 of the MYH11 protein (p.Ser209Asn). This variant is not present in population databases (gnomAD no frequency). This variant has not been reported in the literature in individuals affected with MYH11-related conditions. Advanced modeling of protein sequence and biophysical properties (such as structural, functional, and spatial information, amino acid conservation, physicochemical variation, residue mobility, and thermodynamic stability) performed at Invitae indicates that this missense variant is not expected to disrupt MYH11 protein function with a negative predictive value of 95%. In summary, the available evidence is currently insufficient to determine the role of this variant in disease. Therefore, it has been classified as a Variant of Uncertain Significance.